The following is an entry in ClinVar:

NM_144997.7(FLCN):c.998C>T (p.Ser333Leu)

Gene: FLCN (folliculin; minus strand). Cytogenetic location: 17p11.2.
Variant type: single nucleotide variant.
Coding change: c.998C>T on transcript NM_144997.7 (MANE Select); coding-DNA position 998, C replaced by T.
Protein change: p.Ser333Leu; replaces serine 333 with leucine.
Molecular consequence: missense variant.
Genome position (GRCh38, 1-based): chr17:17,219,083, G>A on the plus strand (C>T on the coding strand, the complement: FLCN is on the minus strand). VCF-style: chr17-17219083-G-A. GRCh37 (hg19) VCF-style: chr17-17122397-G-A.
Other names: c.1052C>T, p.Ser351Leu (NM_001353229.2); c.998C>T, p.Ser333Leu (NM_001353230.2, NM_001353231.2); short protein forms S351L, S333L.
Identifiers: ClinVar variation 5021838 (VCV005021838.1).

ClinVar aggregate classification (germline): Uncertain significance (1 of 4 stars; one submission).

Conditions:
Hereditary cancer-predisposing syndrome. Also called: Neoplastic Syndromes, Hereditary; Tumor predisposition; Hereditary neoplastic syndrome; Hereditary Cancer Syndrome. Identifiers: Orphanet 140162, MedGen C0027672, MeSH D009386, MONDO:0015356.

Submission:

Ambry Genetics
Classification: Uncertain significance for Hereditary cancer-predisposing syndrome. Last evaluated: 2026-07-06. Review status: criteria provided, single submitter. Criteria: Ambry Variant Classification Scheme 2023. Collection method: clinical testing. Allele origin: germline.
Comment: The p.S333L variant (also known as c.998C>T), located in coding exon 6 of the FLCN gene, results from a C to T substitution at nucleotide position 998. The serine at codon 333 is replaced by leucine, an amino acid with dissimilar properties. This amino acid position is conserved. In addition, this alteration is predicted to be tolerated by in silico analysis. Based on the available evidence, the clinical significance of this variant remains unclear.